The following is an entry in ClinVar:

NM_001035.3(RYR2):c.10656G>A (p.Leu3552=)

Gene: RYR2 (ryanodine receptor 2; plus strand). Cytogenetic location: 1q43.
Variant type: single nucleotide variant.
Coding change: c.10656G>A on transcript NM_001035.3 (MANE Select); coding-DNA position 10656, G replaced by A.
Protein change: p.Leu3552=; no amino-acid change (leucine 3552 retained).
Molecular consequence: synonymous variant.
Genome position (GRCh38, 1-based): chr1:237,723,229, G>A. VCF-style: chr1-237723229-G-A. GRCh37 (hg19) VCF-style: chr1-237886529-G-A.
Identifiers: ClinVar variation 1781406 (VCV001781406.8), dbSNP rs1428810723, ClinGen allele CA423820415.

ClinVar aggregate classification (germline): Likely benign. Review status: criteria provided, multiple submitters, no conflicts (2 of 4 stars). 4 submissions from 4 submitters: Likely benign (4). Last evaluated 2025-04-14.

Conditions:
Catecholaminergic polymorphic ventricular tachycardia 1. Also called: VENTRICULAR TACHYCARDIA, CATECHOLAMINERGIC POLYMORPHIC, 1, WITH OR WITHOUT ATRIAL DYSFUNCTION AND/OR DILATED CARDIOMYOPATHY; VENTRICULAR TACHYCARDIA, STRESS-INDUCED POLYMORPHIC 1; RYR2-Related Catecholaminergic Polymorphic Ventricular Tachycardia. Identifiers: Orphanet 3286, MedGen C1631597, MONDO:0011484, OMIM 604772.
Cardiovascular phenotype. Identifiers: MedGen CN230736.
Catecholaminergic polymorphic ventricular tachycardia (CVPT). Also called: Catecholamine-induced polymorphic ventricular tachycardia. Identifiers: Orphanet 3286, MedGen C5574922, MONDO:0017990.

Allele frequency attached by ClinVar (database versions not stated): gnomAD exomes below 0.00001; gnomAD 0.00001.
gnomAD v4.1: 2 of 1,611,742 alleles (0.00012%); highest among the groups gnomAD compares: African/African-American, 0.0013%; no homozygotes.

Submissions (4):

Women's Health and Genetics/Laboratory Corporation of America, LabCorp
Classification: Likely benign. Last evaluated: 2025-04-14. Review status: criteria provided, single submitter. Criteria: LabCorp Variant Classification Summary - May 2015. Collection method: clinical testing. Allele origin: germline.

All of Us Research Program, National Institutes of Health
Classification: Likely benign for Catecholaminergic polymorphic ventricular tachycardia. Last evaluated: 2024-03-14. Review status: criteria provided, single submitter. Criteria: ACMG Guidelines, 2015. Collection method: clinical testing. Allele origin: germline. Inheritance: Autosomal dominant inheritance. Observed: 1 variant allele, 1 heterozygote.
Comment: This study involves interpretation of variants in research participants for the purpose of population health screening. Participant phenotype was not available at the time of variant classification. Additional details can be found in publication PMID: 35346344, PMCID: PMC8962531

Labcorp Genetics (formerly Invitae), Labcorp
Classification: Likely benign for Catecholaminergic polymorphic ventricular tachycardia 1. Last evaluated: 2023-07-28. Review status: criteria provided, single submitter. Criteria: Invitae Variant Classification Sherloc (09022015). Collection method: clinical testing. Allele origin: germline.

Ambry Genetics
Classification: Likely benign for Cardiovascular phenotype. Last evaluated: 2018-05-30. Review status: criteria provided, single submitter. Criteria: Ambry Variant Classification Scheme 2023. Collection method: clinical testing. Allele origin: germline.